The following is an entry in ClinVar:

ClinVar aggregate classification (germline): Pathogenic (1 of 4 stars; one submission).

Conditions:
Long chain 3-hydroxyacyl-CoA dehydrogenase deficiency. Also called: Deficiency of long-chain 3-hydroxyacyl-coenzyme A dehydrogenase; LCHAD Deficiency. Identifiers: Orphanet 5, MedGen C3711645, MONDO:0012173, OMIM 609016.
Mitochondrial trifunctional protein deficiency. Identifiers: Orphanet 746, MedGen C1969443, MONDO:0012172.

Submission:

Labcorp Genetics (formerly Invitae), Labcorp
Classification: Pathogenic for Mitochondrial trifunctional protein deficiency; Long chain 3-hydroxyacyl-CoA dehydrogenase deficiency. Last evaluated: 2023-10-22. Review status: criteria provided, single submitter. Criteria: Invitae Variant Classification Sherloc (09022015). Collection method: clinical testing. Allele origin: germline.
Comment: This sequence change creates a premature translational stop signal (p.Gln281*) in the HADHA gene. It is expected to result in an absent or disrupted protein product. Loss-of-function variants in HADHA are known to be pathogenic (PMID: 7738175, 21103935, 21549624, 22459206). This variant is not present in population databases (gnomAD no frequency). This variant has not been reported in the literature in individuals affected with HADHA-related conditions. Algorithms developed to predict the effect of sequence changes on RNA splicing suggest that this variant may disrupt the consensus splice site. For these reasons, this variant has been classified as Pathogenic.

Literature cited by the submitters: PubMed 7738175; PubMed 21103935; PubMed 21549624; PubMed 22459206.

NM_000182.5(HADHA):c.841C>T (p.Gln281Ter)

Gene: HADHA (hydroxyacyl-CoA dehydrogenase trifunctional multienzyme complex subunit alpha; minus strand). Cytogenetic location: 2p23.3.
Variant type: single nucleotide variant.
Coding change: c.841C>T on transcript NM_000182.5 (MANE Select); coding-DNA position 841, C replaced by T.
Protein change: p.Gln281Ter; replaces glutamine 281 with a stop codon.
Molecular consequence: nonsense.
Genome position (GRCh38, 1-based): chr2:26,214,520, G>A on the plus strand (C>T on the coding strand, the complement: HADHA is on the minus strand). VCF-style: chr2-26214520-G-A. GRCh37 (hg19) VCF-style: chr2-26437389-G-A.
Other names: short protein forms Q281*.
Identifiers: ClinVar variation 2939655 (VCV002939655.3), dbSNP rs2465560474, ClinGen allele CA346091339.